The following is an entry in ClinVar:

NM_152641.4(ARID2):c.787G>A (p.Glu263Lys)

Gene: ARID2 (AT-rich interaction domain 2; plus strand). Cytogenetic location: 12q12.
Variant type: single nucleotide variant.
Coding change: c.787G>A on transcript NM_152641.4 (MANE Select); coding-DNA position 787, G replaced by A.
Protein change: p.Glu263Lys; replaces glutamic acid 263 with lysine.
Molecular consequence: missense variant.
Genome position (GRCh38, 1-based): chr12:45,836,755, G>A. VCF-style: chr12-45836755-G-A. GRCh37 (hg19) VCF-style: chr12-46230538-G-A.
Other names: c.787G>A, p.Glu263Lys (NM_001347839.2); short protein forms E263K.
Identifiers: ClinVar variation 4534186 (VCV004534186.6).
Genomic context (GRCh38, chr12:45,836,755, plus strand): 5'-TATTAATAAATGAAATATTAAGTGAAATATGTATTTTCTATTGTAGAAGGTACATCAGGA[G>A]AATGGATTTGGGAGTCTTTATTTCATCCACCTCGAAAGCTGGGCATTAACGATATTGAAG-3'
Protein context (NP_689854.2, residues 253-273): RNKSHEGTSG[Glu263Lys]WIWESLFHPP

ClinVar aggregate classification (germline): Likely benign (1 of 4 stars; one submission).

Submission:

CeGaT Center for Human Genetics Tuebingen
Classification: Likely benign. Last evaluated: 2025-11-01. Review status: criteria provided, single submitter. Criteria: CeGaT Center For Human Genetics Tuebingen Variant Classification Criteria Version 2. Collection method: clinical testing. Allele origin: germline. Affected: yes. Observed: 1 variant allele.
Comment: ARID2: BP4